The following is an entry in ClinVar:

ClinVar aggregate classification (germline): Uncertain significance (1 of 4 stars; one submission).

Conditions:
Hereditary breast ovarian cancer syndrome. Also called: Hereditary breast and ovarian cancer; BRCA1- and BRCA2-Associated Hereditary Breast and Ovarian Cancer; Hereditary breast and ovarian cancer syndrome; Hereditary breast and ovarian cancer syndrome (HBOC); Breast and ovarian cancer; Hereditary breast and/or ovarian cancer syndrome. Identifiers: Orphanet 145, MedGen C0677776, MeSH D061325, MONDO:0003582. Disease mechanism: loss of function.

Submission:

Labcorp Genetics (formerly Invitae), Labcorp
Classification: Uncertain significance for Hereditary breast ovarian cancer syndrome. Last evaluated: 2023-01-19. Review status: criteria provided, single submitter. Criteria: Invitae Variant Classification Sherloc (09022015). Collection method: clinical testing. Allele origin: germline.
Comment: This sequence change replaces lysine, which is basic and polar, with arginine, which is basic and polar, at codon 3214 of the BRCA2 protein (p.Lys3214Arg). In summary, the available evidence is currently insufficient to determine the role of this variant in disease. Therefore, it has been classified as a Variant of Uncertain Significance. Advanced modeling of protein sequence and biophysical properties (such as structural, functional, and spatial information, amino acid conservation, physicochemical variation, residue mobility, and thermodynamic stability) performed at Invitae indicates that this missense variant is not expected to disrupt BRCA2 protein function. This variant has not been reported in the literature in individuals affected with BRCA2-related conditions. This variant is not present in population databases (gnomAD no frequency).

NM_000059.4(BRCA2):c.9641A>G (p.Lys3214Arg)

Gene: BRCA2 (BRCA2 DNA repair associated; plus strand). Cytogenetic location: 13q13.1.
Variant type: single nucleotide variant.
Coding change: c.9641A>G on transcript NM_000059.4 (MANE Select); coding-DNA position 9641, A replaced by G.
Protein change: p.Lys3214Arg; replaces lysine 3214 with arginine.
Molecular consequence: missense variant. On other transcripts: non-coding transcript variant (1).
Genome position (GRCh38, 1-based): chr13:32,397,037, A>G. VCF-style: chr13-32397037-A-G. GRCh37 (hg19) VCF-style: chr13-32971174-A-G.
Other names: c.9545A>G, p.Lys3182Arg (NM_001406719.1); c.9590A>G, p.Lys3197Arg (NM_001406720.1); c.4709A>G, p.Lys1570Arg (NM_001406721.1); c.3224A>G, p.Lys1075Arg (NM_001406722.1); short protein forms K3182R, K1075R, K3197R, K1570R, K3214R.
Identifiers: ClinVar variation 2830025 (VCV002830025.3), dbSNP rs2137659818, ClinGen allele CA387763807.